The following is an entry in ClinVar:

ClinVar aggregate classification (germline): Conflicting classifications of pathogenicity. Review status: criteria provided, conflicting classifications (1 of 4 stars). 3 submissions from 3 submitters: Likely pathogenic (1); Uncertain significance (2). Last evaluated 2025-04-29.

Conditions:
Joubert syndrome. Also called: Familial aplasia of the vermis; JOUBERT-BOLTSHAUSER SYNDROME. Identifiers: Orphanet 475, MedGen C5979921, MONDO:0018772.

Allele frequency attached by ClinVar (database versions not stated): TOPMed 0.00002; gnomAD exomes 0.00006 and 0.00014; gnomAD 0.00009 and 0.00011; ExAC 0.00016.
gnomAD v4.1: 99 of 1,599,274 alleles (0.0062%); highest among the groups gnomAD compares: Non-Finnish European, 0.0033%; no homozygotes.

Submissions (3):

Labcorp Genetics (formerly Invitae), Labcorp
Classification: Likely pathogenic for Joubert syndrome. Last evaluated: 2025-04-29. Review status: criteria provided, single submitter. Criteria: Invitae Variant Classification Sherloc (09022015). Collection method: clinical testing. Allele origin: germline.
Comment: This sequence change affects an acceptor splice site in intron 4 of the AHI1 gene. It is expected to disrupt RNA splicing. Variants that disrupt the donor or acceptor splice site typically lead to a loss of protein function (PMID: 16199547), and loss-of-function variants in AHI1 are known to be pathogenic (PMID: 15322546, 16453322, 28442542, 29186038). This variant is present in population databases (rs776579906, gnomAD 0.06%). This variant has not been reported in the literature in individuals affected with AHI1-related conditions. ClinVar contains an entry for this variant (Variation ID: 1327209). Algorithms developed to predict the effect of sequence changes on RNA splicing suggest that this variant may disrupt the consensus splice site. In summary, the currently available evidence indicates that the variant is pathogenic, but additional data are needed to prove that conclusively. Therefore, this variant has been classified as Likely Pathogenic.

Blueprint Genetics
Classification: Uncertain significance. Last evaluated: 2023-10-12. Review status: criteria provided, single submitter. Criteria: ACMG Guidelines, 2015. Collection method: clinical testing. Allele origin: germline.

GeneDx
Classification: Uncertain significance. Last evaluated: 2021-05-25. Review status: criteria provided, single submitter. Criteria: GeneDx Variant Classification Process June 2021. Collection method: clinical testing. Allele origin: germline. Affected: yes.
Comment: Canonical splice site variant expected to result in aberrant splicing, although in the absence of functional evidence the actual effect of this sequence change is unknown; Has not been previously published as pathogenic or benign to our knowledge

Literature cited by the submitters: PubMed 16199547 (cited by Labcorp Genetics (formerly Invitae), Labcorp); PubMed 15322546 (cited by Labcorp Genetics (formerly Invitae), Labcorp); PubMed 16453322 (cited by Labcorp Genetics (formerly Invitae), Labcorp); PubMed 28442542 (cited by Labcorp Genetics (formerly Invitae), Labcorp); PubMed 29186038 (cited by Labcorp Genetics (formerly Invitae), Labcorp).

NM_001134831.2(AHI1):c.136-2A>G

Gene: AHI1 (Abelson helper integration site 1; minus strand). Cytogenetic location: 6q23.3.
Variant type: single nucleotide variant.
Coding change: c.136-2A>G on transcript NM_001134831.2 (MANE Select); the canonical splice acceptor site of the intron before coding-DNA position 136, A replaced by G.
Molecular consequence: splice acceptor variant.
Genome position (GRCh38, 1-based): chr6:135,467,636, T>C on the plus strand (A>G on the coding strand, the complement: AHI1 is on the minus strand). VCF-style: chr6-135467636-T-C. GRCh37 (hg19) VCF-style: chr6-135788774-T-C.
Other names: c.136-2A>G (NM_001134830.2, NM_001350503.2, NM_017651.5 and 2 more transcripts).
Identifiers: ClinVar variation 1327209 (VCV001327209.6), dbSNP rs776579906, ClinGen allele CA4012910.